The following is an entry in ClinVar:

NM_015100.4(POGZ):c.3635T>G (p.Val1212Gly)

Gene: POGZ (pogo transposable element derived with ZNF domain; minus strand). Cytogenetic location: 1q21.3.
Variant type: single nucleotide variant.
Coding change: c.3635T>G on transcript NM_015100.4 (MANE Select); coding-DNA position 3635, T replaced by G.
Protein change: p.Val1212Gly; replaces valine 1212 with glycine.
Molecular consequence: missense variant.
Genome position (GRCh38, 1-based): chr1:151,405,400, A>C on the plus strand (T>G on the coding strand, the complement: POGZ is on the minus strand). VCF-style: chr1-151405400-A-C. GRCh37 (hg19) VCF-style: chr1-151377876-A-C.
Other names: c.3608T>G, p.Val1203Gly (NM_001194937.2); c.3449T>G, p.Val1150Gly (NM_001194938.2); c.3656T>G, p.Val1219Gly (NM_001410860.1); c.3350T>G, p.Val1117Gly (NM_145796.4); c.3476T>G, p.Val1159Gly (NM_207171.2); short protein forms V1117G, V1150G, V1159G, V1203G, V1212G, V1219G.
Identifiers: ClinVar variation 1723839 (VCV001723839.3), dbSNP rs2529198797, ClinGen allele CA341941105.

ClinVar aggregate classification (germline): Uncertain significance (1 of 4 stars; one submission).

Submission:

GeneDx
Classification: Uncertain significance. Last evaluated: 2023-05-11. Review status: criteria provided, single submitter. Criteria: GeneDx Variant Classification Process June 2021. Collection method: clinical testing. Allele origin: germline. Affected: yes.
Comment: Not observed at significant frequency in large population cohorts (gnomAD); In silico analysis supports that this missense variant does not alter protein structure/function; Has not been previously published as pathogenic or benign to our knowledge